The following is an entry in ClinVar:

NM_001002295.2(GATA3):c.1029del (p.Leu344fs)

Gene: GATA3 (GATA binding protein 3; plus strand). Cytogenetic location: 10p14.
Variant type: Deletion.
Coding change: c.1029del on transcript NM_001002295.2 (MANE Select); coding-DNA position 1029, one base deleted (G; older notation c.1029delG).
Protein change: p.Leu344fs; shifts the reading frame from leucine 344.
Molecular consequence: frameshift variant.
Genome position (GRCh38, 1-based): chr10:8,069,577, G deleted; the last of 3 consecutive G bases (chr10:8,069,575-8,069,577); deleting any one gives the same sequence. VCF-style (leftmost placement, unchanged base first): chr10-8069574-TG-T. GRCh37 (hg19) VCF-style: chr10-8111537-TG-T.
Other names: c.1026del, p.Leu343fs (NM_002051.3); short protein forms L344fs, L343fs.
Identifiers: ClinVar variation 3721383 (VCV003721383.2).
Genomic context (GRCh38, chr10:8,069,574, plus strand): 5'-GACCACCACAACCACACTCTGGAGGAGGAATGCCAATGGGGACCCTGTCTGCAATGCCTG[TG>T]GGCTCTACTACAAGCTTCACAATGTAAGTGGACTGGGATCAGCAAGAACAGGGCTCGCTT-3'

ClinVar aggregate classification (germline): Pathogenic (1 of 4 stars; one submission).

Submission:

Labcorp Genetics (formerly Invitae), Labcorp
Classification: Pathogenic. Last evaluated: 2024-09-23. Review status: criteria provided, single submitter. Criteria: Invitae Variant Classification Sherloc (09022015). Collection method: clinical testing. Allele origin: germline.
Comment: This sequence change creates a premature translational stop signal (p.Leu344Serfs*12) in the GATA3 gene. While this is not anticipated to result in nonsense mediated decay, it is expected to disrupt the last 101 amino acid(s) of the GATA3 protein. This variant is not present in population databases (gnomAD no frequency). This variant has not been reported in the literature in individuals affected with GATA3-related conditions. This variant disrupts a region of the GATA3 protein in which other variant(s) (p.Arg367*) have been determined to be pathogenic (PMID: 11389161, 25137426, 26316437, 30534854). This suggests that this is a clinically significant region of the protein, and that variants that disrupt it are likely to be disease-causing. For these reasons, this variant has been classified as Pathogenic.

Literature cited by the submitters: PubMed 11389161; PubMed 25137426; PubMed 26316437; PubMed 30534854.